The following is an entry in ClinVar:

NM_015909.4(NBAS):c.81G>T (p.Leu27Phe)

Genes: NBAS (NBAS subunit of NRZ tethering complex; minus strand), LOC129933155 (ATAC-STARR-seq lymphoblastoid active region 15346; plus strand). Cytogenetic location: 2p24.3.
Variant type: single nucleotide variant.
Coding change: c.81G>T on transcript NM_015909.4 (MANE Select); coding-DNA position 81, G replaced by T.
Protein change: p.Leu27Phe; replaces leucine 27 with phenylalanine.
Molecular consequence: missense variant. On other transcripts: non-coding transcript variant (1).
Genome position (GRCh38, 1-based): chr2:15,561,224, C>A on the plus strand (G>T on the coding strand, the complement: NBAS is on the minus strand). VCF-style: chr2-15561224-C-A. GRCh37 (hg19) VCF-style: chr2-15701348-C-A.
Other names: short protein forms L27F.
Identifiers: ClinVar variation 1467729 (VCV001467729.8), dbSNP rs747212358, ClinGen allele CA1537241.

ClinVar aggregate classification (germline): Uncertain significance (1 of 4 stars; one submission).

Allele frequency attached by ClinVar (database versions not stated): gnomAD exomes below 0.00001 and 0.00001; ExAC 0.00002.
gnomAD v4.1: 7 of 1,613,986 alleles (0.00043%); highest among the groups gnomAD compares: South Asian, 0.0055%; no homozygotes.

Submission:

Labcorp Genetics (formerly Invitae), Labcorp
Classification: Uncertain significance. Last evaluated: 2024-02-24. Review status: criteria provided, single submitter. Criteria: Invitae Variant Classification Sherloc (09022015). Collection method: clinical testing. Allele origin: germline.
Comment: This sequence change replaces leucine, which is neutral and non-polar, with phenylalanine, which is neutral and non-polar, at codon 27 of the NBAS protein (p.Leu27Phe). This variant is present in population databases (rs747212358, gnomAD 0.01%). This variant has not been reported in the literature in individuals affected with NBAS-related conditions. ClinVar contains an entry for this variant (Variation ID: 1467729). Advanced modeling of protein sequence and biophysical properties (such as structural, functional, and spatial information, amino acid conservation, physicochemical variation, residue mobility, and thermodynamic stability) performed at Invitae indicates that this missense variant is not expected to disrupt NBAS protein function with a negative predictive value of 95%. In summary, the available evidence is currently insufficient to determine the role of this variant in disease. Therefore, it has been classified as a Variant of Uncertain Significance.